The following is an entry in ClinVar:

ClinVar aggregate classification (germline): Uncertain significance (1 of 4 stars; one submission).

Conditions:
Hereditary cancer-predisposing syndrome. Also called: Neoplastic Syndromes, Hereditary; Tumor predisposition; Hereditary Cancer Syndrome; Hereditary neoplastic syndrome. Identifiers: Orphanet 140162, MedGen C0027672, MeSH D009386, MONDO:0015356.

Submission:

Ambry Genetics
Classification: Uncertain significance for Hereditary cancer-predisposing syndrome. Last evaluated: 2019-08-21. Review status: criteria provided, single submitter. Criteria: Ambry Variant Classification Scheme 2023. Collection method: clinical testing. Allele origin: germline.
Comment: The p.Q692H variant (also known as c.2076G>T), located in coding exon 5 of the PALB2 gene, results from a G to T substitution at nucleotide position 2076. The glutamine at codon 692 is replaced by histidine, an amino acid with highly similar properties. This amino acid position is not well conserved in available vertebrate species. In addition, this alteration is predicted to be tolerated by in silico analysis. Since supporting evidence is limited at this time, the clinical significance of this alteration remains unclear.

NM_024675.4(PALB2):c.2076G>T (p.Gln692His)

Gene: PALB2 (partner and localizer of BRCA2; minus strand). Cytogenetic location: 16p12.2.
Variant type: single nucleotide variant.
Coding change: c.2076G>T on transcript NM_024675.4 (MANE Select); coding-DNA position 2076, G replaced by T.
Protein change: p.Gln692His; replaces glutamine 692 with histidine.
Molecular consequence: missense variant.
Genome position (GRCh38, 1-based): chr16:23,630,078, C>A on the plus strand (G>T on the coding strand, the complement: PALB2 is on the minus strand). VCF-style: chr16-23630078-C-A. GRCh37 (hg19) VCF-style: chr16-23641399-C-A.
Other names: short protein forms Q692H.
Identifiers: ClinVar variation 820663 (VCV000820663.4), dbSNP rs876660531, ClinGen allele CA395126582.